The following is an entry in ClinVar:

NM_005121.3(MED13):c.3667G>T (p.Val1223Phe)

Gene: MED13 (mediator complex subunit 13; minus strand). Cytogenetic location: 17q23.2.
Variant type: single nucleotide variant.
Coding change: c.3667G>T on transcript NM_005121.3 (MANE Select); coding-DNA position 3667, G replaced by T.
Protein change: p.Val1223Phe; replaces valine 1223 with phenylalanine.
Molecular consequence: missense variant.
Genome position (GRCh38, 1-based): chr17:61,982,336, C>A on the plus strand (G>T on the coding strand, the complement: MED13 is on the minus strand). VCF-style: chr17-61982336-C-A. GRCh37 (hg19) VCF-style: chr17-60059697-C-A.
Other names: short protein forms V1223F.
Identifiers: ClinVar variation 3061567 (VCV003061567.3), dbSNP rs757386950, ClinGen allele CA8692616.

ClinVar aggregate classification (germline): Uncertain significance. Review status: criteria provided, single submitter (1 of 4 stars). 2 submissions from 2 submitters: Uncertain significance (1). 1 of the submissions does not count toward it. Last evaluated 2025-03-28.

Conditions:
Inborn genetic diseases. Identifiers: MedGen C0950123, MeSH D030342.
MED13-related disorder. Also called: MED13-related condition.

Allele frequency attached by ClinVar (database versions not stated): gnomAD 0.00002; TOPMed 0.00003; ExAC 0.00002.
gnomAD v4.1: 4 of 1,614,116 alleles (0.00025%); highest among the groups gnomAD compares: Admixed American, 0.0033%; no homozygotes.

Submissions (2):

Ambry Genetics
Classification: Uncertain significance for Inborn genetic diseases. Last evaluated: 2025-03-28. Review status: criteria provided, single submitter. Criteria: Ambry Variant Classification Scheme 2023. Collection method: clinical testing. Allele origin: germline.

PreventionGenetics, part of Exact Sciences
Classification: Uncertain significance for MED13-related condition. Last evaluated: 2023-12-09. Review status: no assertion criteria provided. Collection method: clinical testing. Allele origin: germline. Not counted in ClinVar's aggregate classification.
Comment: The MED13 c.3667G>T variant is predicted to result in the amino acid substitution p.Val1223Phe. To our knowledge, this variant has not been reported in the literature. This variant is reported in 0.0065% of alleles in individuals of African descent in gnomAD. At this time, the clinical significance of this variant is uncertain due to the absence of conclusive functional and genetic evidence.